The following is an entry in ClinVar:

ClinVar aggregate classification (germline): Uncertain significance (1 of 4 stars; one submission).

Conditions:
Hereditary pancreatitis (PCTT). Also called: Hereditary chronic pancreatitis; PRSS1-Related Hereditary Pancreatitis. Identifiers: Orphanet 676, MedGen C0238339, MONDO:0008185, OMIM 167800.

Submission:

Ambry Genetics
Classification: Uncertain significance for Hereditary pancreatitis. Last evaluated: 2025-05-18. Review status: criteria provided, single submitter. Criteria: Ambry Variant Classification Scheme 2023. Collection method: clinical testing. Allele origin: germline.
Comment: The p.D130N variant (also known as c.388G>A), located in coding exon 4 of the CPA1 gene, results from a G to A substitution at nucleotide position 388. The aspartic acid at codon 130 is replaced by asparagine, an amino acid with highly similar properties. This amino acid position is conserved. In addition, this alteration is predicted to be tolerated by in silico analysis. Based on the available evidence, the clinical significance of this variant remains unclear.

NM_001868.4(CPA1):c.388G>A (p.Asp130Asn)

Gene: CPA1 (carboxypeptidase A1; plus strand). Cytogenetic location: 7q32.2.
Variant type: single nucleotide variant.
Coding change: c.388G>A on transcript NM_001868.4 (MANE Select); coding-DNA position 388, G replaced by A.
Protein change: p.Asp130Asn; replaces aspartic acid 130 with asparagine.
Molecular consequence: missense variant.
Genome position (GRCh38, 1-based): chr7:130,382,114, G>A. VCF-style: chr7-130382114-G-A. GRCh37 (hg19) VCF-style: chr7-130021955-G-A.
Other names: short protein forms D130N.
Identifiers: ClinVar variation 4006056 (VCV004006056.1).